The following is an entry in ClinVar:

NM_000088.4(COL1A1):c.3827T>A (p.Ile1276Asn)

Gene: COL1A1 (collagen type I alpha 1 chain; minus strand). Cytogenetic location: 17q21.33.
Variant type: single nucleotide variant.
Coding change: c.3827T>A on transcript NM_000088.4 (MANE Select); coding-DNA position 3827, T replaced by A.
Protein change: p.Ile1276Asn; replaces isoleucine 1276 with asparagine.
Molecular consequence: missense variant.
Genome position (GRCh38, 1-based): chr17:50,186,495, A>T on the plus strand (T>A on the coding strand, the complement: COL1A1 is on the minus strand). VCF-style: chr17-50186495-A-T. GRCh37 (hg19) VCF-style: chr17-48263856-A-T.
Other names: short protein forms I1276N.
Identifiers: ClinVar variation 1188550 (VCV001188550.2), dbSNP rs1207643613, ClinGen allele CA400193968.

ClinVar aggregate classification (germline): Likely pathogenic (1 of 4 stars; one submission).

Submission:

GeneDx
Classification: Likely pathogenic. Last evaluated: 2019-06-27. Review status: criteria provided, single submitter. Criteria: GeneDx Variant Classification Process June 2021. Collection method: clinical testing. Allele origin: germline. Affected: yes.
Comment: Not observed in large population cohorts (Lek et al., 2016); In silico analysis, which includes protein predictors and evolutionary conservation, supports a deleterious effect; Has not been previously published as pathogenic or benign to our knowledge